The following is an entry in ClinVar:

NM_000181.4(GUSB):c.1070G>A (p.Arg357Gln)

Gene: GUSB (glucuronidase beta; minus strand). Cytogenetic location: 7q11.21.
Variant type: single nucleotide variant.
Coding change: c.1070G>A on transcript NM_000181.4 (MANE Select); coding-DNA position 1070, G replaced by A.
Protein change: p.Arg357Gln; replaces arginine 357 with glutamine.
Molecular consequence: missense variant. On other transcripts: non-coding transcript variant (1).
Genome position (GRCh38, 1-based): chr7:65,974,700, C>T on the plus strand (G>A on the coding strand, the complement: GUSB is on the minus strand). VCF-style: chr7-65974700-C-T. GRCh37 (hg19) VCF-style: chr7-65439687-C-T.
Other names: c.632G>A, p.Arg211Gln (NM_001284290.2); c.500G>A, p.Arg167Gln (NM_001293104.2); c.413G>A, p.Arg138Gln (NM_001293105.2); short protein forms R138Q, R167Q, R211Q, R357Q.
Identifiers: ClinVar variation 2630969 (VCV002630969.2), dbSNP rs886527135, ClinGen allele CA367644320.

ClinVar aggregate classification (germline): Uncertain significance. Review status: criteria provided, multiple submitters, no conflicts (2 of 4 stars). 2 submissions from 2 submitters: Uncertain significance (2). Last evaluated 2024-02-15.

Conditions:
GUSB-related disorder. Also called: GUSB-related condition.

Allele frequency attached by ClinVar (database versions not stated): gnomAD exomes below 0.00001; gnomAD 0.00001.
gnomAD v4.1: 2 of 1,612,694 alleles (0.00012%); highest among the groups gnomAD compares: African/African-American, 0.0013%; no homozygotes.

Submissions (2):

GeneDx
Classification: Uncertain significance. Last evaluated: 2024-02-15. Review status: criteria provided, single submitter. Criteria: GeneDx Variant Classification Process June 2021. Collection method: clinical testing. Allele origin: germline. Affected: yes.
Comment: Not observed at significant frequency in large population cohorts (gnomAD); In silico analysis supports that this missense variant has a deleterious effect on protein structure/function; Has not been previously published as pathogenic or benign to our knowledge

PreventionGenetics, part of Exact Sciences
Classification: Uncertain significance for GUSB-related condition. Last evaluated: 2023-09-16. Review status: criteria provided, single submitter. Criteria: ACMG Guidelines, 2015. Collection method: clinical testing. Allele origin: germline.
Comment: The GUSB c.1070G>A variant is predicted to result in the amino acid substitution p.Arg357Gln. To our knowledge, this variant has not been reported in the literature or in a large population database, indicating this variant is rare. At this time, the clinical significance of this variant is uncertain due to the absence of conclusive functional and genetic evidence.